The following is an entry in ClinVar:

NM_014319.5(LEMD3):c.654G>C (p.Glu218Asp)

Gene: LEMD3 (LEM domain containing 3; plus strand). Cytogenetic location: 12q14.3.
Variant type: single nucleotide variant.
Coding change: c.654G>C on transcript NM_014319.5 (MANE Select); coding-DNA position 654, G replaced by C.
Protein change: p.Glu218Asp; replaces glutamic acid 218 with aspartic acid.
Molecular consequence: missense variant.
Genome position (GRCh38, 1-based): chr12:65,170,250, G>C. VCF-style: chr12-65170250-G-C. GRCh37 (hg19) VCF-style: chr12-65564030-G-C.
Other names: c.654G>C, p.Glu218Asp (NM_001167614.2); c.654G>C (NM_014319.4); short protein forms E218D.
Identifiers: ClinVar variation 1911299 (VCV001911299.6), dbSNP rs558755661, ClinGen allele CA6670739.

ClinVar aggregate classification (germline): Uncertain significance. Review status: criteria provided, multiple submitters, no conflicts (2 of 4 stars). 2 submissions from 2 submitters: Uncertain significance (2). Last evaluated 2025-08-25.

Conditions:
Inborn genetic diseases. Identifiers: MedGen C0950123, MeSH D030342.

Allele frequency attached by ClinVar (database versions not stated): gnomAD 0.00003; 1000 Genomes Project 30x 0.00031; 1000 Genomes Project 0.00040.
gnomAD v4.1: 8 of 1,550,716 alleles (0.00052%); highest among the groups gnomAD compares: African/African-American, 0.011%; no homozygotes.

Submissions (2):

Ambry Genetics
Classification: Uncertain significance for Inborn genetic diseases. Last evaluated: 2025-08-25. Review status: criteria provided, single submitter. Criteria: Ambry Variant Classification Scheme 2023. Collection method: clinical testing. Allele origin: germline.

Labcorp Genetics (formerly Invitae), Labcorp
Classification: Uncertain significance. Last evaluated: 2022-03-23. Review status: criteria provided, single submitter. Criteria: Invitae Variant Classification Sherloc (09022015). Collection method: clinical testing. Allele origin: germline.
Comment: This sequence change replaces glutamic acid, which is acidic and polar, with aspartic acid, which is acidic and polar, at codon 218 of the LEMD3 protein (p.Glu218Asp). This variant is present in population databases (rs558755661, gnomAD 0.02%). This variant has not been reported in the literature in individuals affected with LEMD3-related conditions. Algorithms developed to predict the effect of missense changes on protein structure and function output the following: SIFT: "Deleterious"; PolyPhen-2: "Benign"; Align-GVGD: "Class C0". The aspartic acid amino acid residue is found in multiple mammalian species, which suggests that this missense change does not adversely affect protein function. In summary, the available evidence is currently insufficient to determine the role of this variant in disease. Therefore, it has been classified as a Variant of Uncertain Significance.